The following is an entry in ClinVar:

ClinVar aggregate classification (germline): Uncertain significance. Review status: criteria provided, multiple submitters, no conflicts (2 of 4 stars). 2 submissions from 2 submitters: Uncertain significance (2). Last evaluated 2025-08-24.

Conditions:
Primary familial hypertrophic cardiomyopathy (HCM). Identifiers: Orphanet 99739, MedGen C0949658, MeSH D024741, MONDO:0024573. Inheritance: Various modes of inheritance.

Allele frequency attached by ClinVar (database versions not stated): gnomAD exomes 0.00001 and 0.00003; TOPMed 0.00001; ExAC 0.00003.
gnomAD v4.1: 11 of 1,614,206 alleles (0.00068%); highest among the groups gnomAD compares: East Asian, 0.0089%; no homozygotes.

Submissions (2):

Ambry Genetics
Classification: Uncertain significance. Last evaluated: 2025-08-24. Review status: criteria provided, single submitter. Criteria: Ambry Variant Classification Scheme 2023. Collection method: clinical testing. Allele origin: germline.
Comment: The p.R161C variant (also known as c.481C>T), located in coding exon 5 of the ILK gene, results from a C to T substitution at nucleotide position 481. The arginine at codon 161 is replaced by cysteine, an amino acid with highly dissimilar properties. This amino acid position is conserved. In addition, the in silico prediction for this alteration is inconclusive. Based on the available evidence, the clinical significance of this variant remains unclear.

Labcorp Genetics (formerly Invitae), Labcorp
Classification: Uncertain significance for Primary familial hypertrophic cardiomyopathy. Last evaluated: 2024-04-29. Review status: criteria provided, single submitter. Criteria: Invitae Variant Classification Sherloc (09022015). Collection method: clinical testing. Allele origin: germline.
Comment: This sequence change replaces arginine, which is basic and polar, with cysteine, which is neutral and slightly polar, at codon 161 of the ILK protein (p.Arg161Cys). This variant is present in population databases (rs761400440, gnomAD 0.03%). This variant has not been reported in the literature in individuals affected with ILK-related conditions. ClinVar contains an entry for this variant (Variation ID: 1402311). An algorithm developed to predict the effect of missense changes on protein structure and function (PolyPhen-2) suggests that this variant is likely to be tolerated. In summary, the available evidence is currently insufficient to determine the role of this variant in disease. Therefore, it has been classified as a Variant of Uncertain Significance.

NM_004517.4(ILK):c.481C>T (p.Arg161Cys)

Genes: ILK (integrin linked kinase; plus strand), TAF10 (TATA-box binding protein associated factor 10; minus strand). Cytogenetic location: 11p15.4.
Variant type: single nucleotide variant.
Coding change: c.481C>T on transcript NM_004517.4 (MANE Select); coding-DNA position 481, C replaced by T.
Protein change: p.Arg161Cys; replaces arginine 161 with cysteine.
Molecular consequence: missense variant. On other transcripts: synonymous variant (1), 3 prime UTR variant (1).
Genome position (GRCh38, 1-based): chr11:6,608,916, C>T. VCF-style: chr11-6608916-C-T. GRCh37 (hg19) VCF-style: chr11-6630147-C-T.
Other names: c.481C>T, p.Arg161Cys (NM_001014794.3, NM_001014795.3); c.384C>T, p.Thr128= (NM_001278441.2); c.79C>T, p.Arg27Cys (NM_001278442.2); c.*2006G>A (NM_006284.4); short protein forms R27C, R161C.
Identifiers: ClinVar variation 1402311 (VCV001402311.8), dbSNP rs761400440, ClinGen allele CA5858065.